The following is an entry in ClinVar:

NM_004415.4(DSP):c.1968A>T (p.Glu656Asp)

Gene: DSP (desmoplakin; plus strand). Cytogenetic location: 6p24.3.
Variant type: single nucleotide variant.
Coding change: c.1968A>T on transcript NM_004415.4 (MANE Select); coding-DNA position 1968, A replaced by T.
Protein change: p.Glu656Asp; replaces glutamic acid 656 with aspartic acid.
Molecular consequence: missense variant.
Genome position (GRCh38, 1-based): chr6:7,571,906, A>T. VCF-style: chr6-7571906-A-T. GRCh37 (hg19) VCF-style: chr6-7572139-A-T.
Other names: c.1968A>T, p.Glu656Asp (NM_001008844.3, NM_001319034.2); short protein forms E656D.
Identifiers: ClinVar variation 1063924 (VCV001063924.9), dbSNP rs2113679857, ClinGen allele CA362680233.

ClinVar aggregate classification (germline): Uncertain significance (1 of 4 stars; one submission).

Conditions:
Arrhythmogenic right ventricular dysplasia 8 (ARVD8). Also called: Arrhythmogenic Right Ventricular Dysplasia/Cardiomyopathy 8; ARRHYTHMOGENIC RIGHT VENTRICULAR CARDIOMYOPATHY 8; ARRHYTHMOGENIC RIGHT VENTRICULAR DYSPLASIA, FAMILIAL, 8. Identifiers: MedGen C1843896, MONDO:0011831, OMIM 607450.
Arrhythmogenic cardiomyopathy with wooly hair and keratoderma. Also called: Arrhythmogenic cardiomyopathy with woolly hair and keratoderma; Carvajal syndrome; PALMOPLANTAR KERATODERMA WITH LEFT VENTRICULAR CARDIOMYOPATHY AND WOOLLY HAIR; Dilated cardiomyopathy with woolly hair and keratoderma. Identifiers: Orphanet 65282, MedGen C1854063, MONDO:0011581, OMIM 605676.

Submission:

Labcorp Genetics (formerly Invitae), Labcorp
Classification: Uncertain significance for Arrhythmogenic cardiomyopathy with wooly hair and keratoderma; Arrhythmogenic right ventricular dysplasia 8. Last evaluated: 2020-05-11. Review status: criteria provided, single submitter. Criteria: Invitae Variant Classification Sherloc (09022015). Collection method: clinical testing. Allele origin: germline.
Comment: In summary, the available evidence is currently insufficient to determine the role of this variant in disease. Therefore, it has been classified as a Variant of Uncertain Significance. Algorithms developed to predict the effect of missense changes on protein structure and function (SIFT, PolyPhen-2, Align-GVGD) all suggest that this variant is likely to be tolerated, but these predictions have not been confirmed by published functional studies and their clinical significance is uncertain. This variant has not been reported in the literature in individuals with DSP-related conditions. This variant is not present in population databases (ExAC no frequency). This sequence change replaces glutamic acid with aspartic acid at codon 656 of the DSP protein (p.Glu656Asp). The glutamic acid residue is highly conserved and there is a small physicochemical difference between glutamic acid and aspartic acid.